The following is an entry in ClinVar:

NM_004329.3(BMPR1A):c.200G>T (p.Cys67Phe)

Gene: BMPR1A (bone morphogenetic protein receptor type 1A; plus strand). Cytogenetic location: 10q23.2.
Variant type: single nucleotide variant.
Coding change: c.200G>T on transcript NM_004329.3 (MANE Select); coding-DNA position 200, G replaced by T.
Protein change: p.Cys67Phe; replaces cysteine 67 with phenylalanine.
Molecular consequence: missense variant. On other transcripts: non-coding transcript variant (3).
Genome position (GRCh38, 1-based): chr10:86,890,194, G>T. VCF-style: chr10-86890194-G-T. GRCh37 (hg19) VCF-style: chr10-88649951-G-T.
Other names: c.200G>T, p.Cys67Phe (NM_001406559.1, NM_001406560.1, NM_001406571.1 and 23 more transcripts); c.116G>T, p.Cys39Phe (NM_001406584.1, NM_001406585.1, NM_001406586.1 and 2 more transcripts); short protein forms C39F, C67F.
Identifiers: ClinVar variation 4082301 (VCV004082301.1).

ClinVar aggregate classification (germline): Likely pathogenic (1 of 4 stars; one submission).

Conditions:
Hereditary cancer-predisposing syndrome. Also called: Tumor predisposition; Neoplastic Syndromes, Hereditary; Hereditary neoplastic syndrome; Hereditary Cancer Syndrome. Identifiers: Orphanet 140162, MedGen C0027672, MeSH D009386, MONDO:0015356.

Submission:

Molecular Diagnostics Laboratory, Catalan Institute of Oncology
Classification: Likely pathogenic for Hereditary cancer-predisposing syndrome. Last evaluated: 2025-07-31. Review status: criteria provided, single submitter. Criteria: ACMG Guidelines, 2015. Collection method: clinical testing. Allele origin: germline.
Comment: PM1_Supporting, PM2_Supporting, PP1, PP3_Moderate, PP4 c.200G>T, located in exon 4 of the BMPR1A gene, is predicted to result in the substitution of Cys by Phe at codon 67, p.(Cys67Phe). This amino acid position, located within the activin domain (residues 59-132), is a highly conserved amino acid (PM1_supporting). It is not present in the population database gnomAD v2.1.1, non-cancer dataset (PM2_supporting). The SpliceAI algorithm predicts no significant impact on splicing. The REVEL meta-predictor score for this variant (0.976) suggests a deleterious effect on protein function according to Pejaver 2022 thresholds (PMID: 36413997) (PP3_Moderate). To our knowledge, neither relevant clinical data nor well-established functional studies have been reported for this variant, and there are no reports of pathogenic missense variants in the same codon. Also, the variant cosegregates with the phenotype across 3 family members (internal data) (2 meiosis, PP1). This variant has not been reported in either ClinVar or LOVD databases. Based on currently available information, the variant c.200G>T should be considered a likely pathogenic variant according to ACMG guidelines.